The following is an entry in ClinVar:

ClinVar aggregate classification (germline): Benign (1 of 4 stars; one submission).

Allele frequency attached by ClinVar (database versions not stated): 1000 Genomes Project 30x 0.02108; 1000 Genomes Project 0.02157; TOPMed 0.02245; gnomAD 0.02497 and 0.02554; gnomAD exomes 0.02886.
gnomAD v4.1: 39,600 of 1,383,422 alleles (2.9%); highest among the groups gnomAD compares: Middle Eastern, 9%; 787 homozygotes.

Submission:

GeneDx
Classification: Benign. Last evaluated: 2018-06-14. Review status: criteria provided, single submitter. Criteria: GeneDx Variant Classification (06012015). Collection method: clinical testing. Allele origin: germline. Affected: yes.
Comment: This variant is considered likely benign or benign based on one or more of the following criteria: it is a conservative change, it occurs at a poorly conserved position in the protein, it is predicted to be benign by multiple in silico algorithms, and/or has population frequency not consistent with disease.

NM_001999.4(FBN2):c.3974-67G>A

Gene: FBN2 (fibrillin 2; minus strand). Cytogenetic location: 5q23.3.
Variant type: single nucleotide variant.
Coding change: c.3974-67G>A on transcript NM_001999.4 (MANE Select); 67 bases into the intron before coding-DNA position 3974, G replaced by A.
Molecular consequence: intron variant.
Genome position (GRCh38, 1-based): chr5:128,334,911, C>T on the plus strand (G>A on the coding strand, the complement: FBN2 is on the minus strand). VCF-style: chr5-128334911-C-T. GRCh37 (hg19) VCF-style: chr5-127670603-C-T.
Identifiers: ClinVar variation 674266 (VCV000674266.1), dbSNP rs28763944, ClinGen allele CA12035935.